The following is an entry in ClinVar:

NM_004826.4(ECEL1):c.1630C>T (p.Arg544Cys)

Gene: ECEL1 (endothelin converting enzyme like 1; minus strand). Cytogenetic location: 2q37.1.
Variant type: single nucleotide variant.
Coding change: c.1630C>T on transcript NM_004826.4 (MANE Select); coding-DNA position 1630, C replaced by T.
Protein change: p.Arg544Cys; replaces arginine 544 with cysteine.
Molecular consequence: missense variant.
Genome position (GRCh38, 1-based): chr2:232,482,906, G>A on the plus strand (C>T on the coding strand, the complement: ECEL1 is on the minus strand). VCF-style: chr2-232482906-G-A. GRCh37 (hg19) VCF-style: chr2-233347616-G-A.
Other names: c.1630C>T, p.Arg544Cys (NM_001290787.2); short protein forms R544C.
Identifiers: ClinVar variation 816801 (VCV000816801.3), dbSNP rs753016147, ClinGen allele CA2167200.

ClinVar aggregate classification (germline): Uncertain significance. Review status: criteria provided, single submitter (1 of 4 stars). 2 submissions from 2 submitters: Uncertain significance (1). 1 of the submissions does not count toward it. Last evaluated 2022-08-12.

Conditions:
Distal arthrogryposis type 5D (DA5D). Identifiers: Orphanet 329457, MedGen C3554415, MONDO:0014028, OMIM 615065.

Allele frequency attached by ClinVar (database versions not stated): gnomAD below 0.00001 and 0.00001; gnomAD exomes 0.00001 and 0.00002; ExAC 0.00002; TOPMed 0.00003.
gnomAD v4.1: 19 of 1,614,050 alleles (0.0012%); highest among the groups gnomAD compares: East Asian, 0.0022%; no homozygotes.

Submissions (2):

GeneDx
Classification: Uncertain significance. Last evaluated: 2022-08-12. Review status: criteria provided, single submitter. Criteria: GeneDx Variant Classification Process June 2021. Collection method: clinical testing. Allele origin: germline. Affected: yes.
Comment: In silico analysis supports that this missense variant has a deleterious effect on protein structure/function; This variant is associated with the following publications: (PMID: 31230720, 35052370)

Lupski Lab, Baylor-Hopkins CMG, Baylor College of Medicine
Classification: Uncertain significance for Distal arthrogryposis type 5D. Review status: no assertion criteria provided. Collection method: research. Allele origin: inherited. Inheritance: Autosomal recessive inheritance. Affected: yes. Observed: 3 variant alleles, 2 heterozygotes, 1 homozygote. Not counted in ClinVar's aggregate classification.